The following is an entry in ClinVar:

ClinVar aggregate classification (germline): Uncertain significance. Review status: criteria provided, multiple submitters, no conflicts (2 of 4 stars). 2 submissions from 2 submitters: Uncertain significance (2). Last evaluated 2023-11-03.

Conditions:
Neurodegeneration with brain iron accumulation 5 (NBIA5). Also called: Beta-propeller protein-associated neurodegeneration; STATIC ENCEPHALOPATHY OF CHILDHOOD WITH NEURODEGENERATION IN ADULTHOOD. Identifiers: Orphanet 329284, MedGen C3550973, MONDO:0010476, OMIM 300894.

Allele frequency attached by ClinVar (database versions not stated): TOPMed 0.00001; gnomAD exomes below 0.00001 and 0.00001; ExAC 0.00001; gnomAD 0.00001.
gnomAD v4.1: 3 of 1,207,555 alleles (0.00025%); highest among the groups gnomAD compares: Non-Finnish European, 0.00034%; no homozygotes.

Submissions (2):

Labcorp Genetics (formerly Invitae), Labcorp
Classification: Uncertain significance for Neurodegeneration with brain iron accumulation 5. Last evaluated: 2023-11-03. Review status: criteria provided, single submitter. Criteria: Invitae Variant Classification Sherloc (09022015). Collection method: clinical testing. Allele origin: germline.
Comment: This sequence change replaces leucine, which is neutral and non-polar, with valine, which is neutral and non-polar, at codon 151 of the WDR45 protein (p.Leu151Val). This variant is present in population databases (rs782794836, gnomAD 0.003%). This variant has not been reported in the literature in individuals affected with WDR45-related conditions. ClinVar contains an entry for this variant (Variation ID: 450587). Advanced modeling of protein sequence and biophysical properties (such as structural, functional, and spatial information, amino acid conservation, physicochemical variation, residue mobility, and thermodynamic stability) performed at Invitae indicates that this missense variant is not expected to disrupt WDR45 protein function with a negative predictive value of 80%. In summary, the available evidence is currently insufficient to determine the role of this variant in disease. Therefore, it has been classified as a Variant of Uncertain Significance.

GeneDx
Classification: Uncertain significance. Last evaluated: 2020-02-21. Review status: criteria provided, single submitter. Criteria: GeneDx Variant Classification Process June 2021. Collection method: clinical testing. Allele origin: germline. Affected: yes.
Comment: In silico analysis supports that this missense variant has a deleterious effect on protein structure/function; Has not been previously published as pathogenic or benign to our knowledge

NM_001029896.2(WDR45):c.448C>G (p.Leu150Val)

Gene: WDR45 (WD repeat domain 45; minus strand). Cytogenetic location: Xp11.23.
Variant type: single nucleotide variant.
Coding change: c.448C>G on transcript NM_001029896.2 (MANE Select); coding-DNA position 448, C replaced by G.
Protein change: p.Leu150Val; replaces leucine 150 with valine.
Molecular consequence: missense variant.
Genome position (GRCh38, 1-based): chrX:49,075,934, G>C on the plus strand (C>G on the coding strand, the complement: WDR45 is on the minus strand). VCF-style: chrX-49075934-G-C. GRCh37 (hg19) VCF-style: chrX-48933593-G-C.
Other names: c.451C>G, p.Leu151Val (NM_007075.4); short protein forms L151V, L150V.
Identifiers: ClinVar variation 450587 (VCV000450587.7), dbSNP rs782794836, ClinGen allele CA10408514.